The following is an entry in ClinVar:

NM_017617.5(NOTCH1):c.4450A>G (p.Asn1484Asp)

Gene: NOTCH1 (notch receptor 1; minus strand). Cytogenetic location: 9q34.3.
Variant type: single nucleotide variant.
Coding change: c.4450A>G on transcript NM_017617.5 (MANE Select); coding-DNA position 4450, A replaced by G.
Protein change: p.Asn1484Asp; replaces asparagine 1484 with aspartic acid.
Molecular consequence: missense variant.
Genome position (GRCh38, 1-based): chr9:136,505,446, T>C on the plus strand (A>G on the coding strand, the complement: NOTCH1 is on the minus strand). VCF-style: chr9-136505446-T-C. GRCh37 (hg19) VCF-style: chr9-139399898-T-C.
Other names: short protein forms N1484D.
Identifiers: ClinVar variation 2995435 (VCV002995435.3), dbSNP rs2133339098, ClinGen allele CA375647488.

ClinVar aggregate classification (germline): Uncertain significance (1 of 4 stars; one submission).

Conditions:
Adams-Oliver syndrome 5 (AOS5). Identifiers: Orphanet 974, MedGen C4014970, MONDO:0014459, OMIM 616028.

Submission:

Labcorp Genetics (formerly Invitae), Labcorp
Classification: Uncertain significance for Adams-Oliver syndrome 5. Last evaluated: 2023-06-23. Review status: criteria provided, single submitter. Criteria: Invitae Variant Classification Sherloc (09022015). Collection method: clinical testing. Allele origin: germline.
Comment: This variant is not present in population databases (gnomAD no frequency). This sequence change replaces asparagine, which is neutral and polar, with aspartic acid, which is acidic and polar, at codon 1484 of the NOTCH1 protein (p.Asn1484Asp). This variant has not been reported in the literature in individuals affected with NOTCH1-related conditions. Advanced modeling of protein sequence and biophysical properties (such as structural, functional, and spatial information, amino acid conservation, physicochemical variation, residue mobility, and thermodynamic stability) performed at Invitae indicates that this missense variant is not expected to disrupt NOTCH1 protein function. In summary, the available evidence is currently insufficient to determine the role of this variant in disease. Therefore, it has been classified as a Variant of Uncertain Significance.